The following is an entry in ClinVar:

NM_000552.5(VWF):c.3469dup (p.Cys1157fs)

Gene: VWF (von Willebrand factor; minus strand). Cytogenetic location: 12p13.31.
Variant type: Duplication.
Coding change: c.3469dup on transcript NM_000552.5 (MANE Select); coding-DNA position 3469, one base duplicated (T; older notation c.3469dupT).
Protein change: p.Cys1157fs; shifts the reading frame from cysteine 1157.
Molecular consequence: frameshift variant.
Genome position (GRCh38, 1-based): chr12:6,022,809, A duplicated on the plus strand (T on the coding strand, the reverse complement: VWF is on the minus strand). VCF-style (leftmost placement, unchanged base first): chr12-6022808-C-CA. GRCh37 (hg19) VCF-style: chr12-6131974-C-CA.
Other names: short protein forms C1157fs.
Identifiers: ClinVar variation 4533004 (VCV004533004.1).

ClinVar aggregate classification (germline): Pathogenic (1 of 4 stars; one submission).

Submission:

Quest Diagnostics Nichols Institute San Juan Capistrano
Classification: Pathogenic. Last evaluated: 2025-02-24. Review status: criteria provided, single submitter. Criteria: Quest Diagnostics criteria. Collection method: clinical testing. Allele origin: unknown.
Comment: The VWF c.3469dup (p.Cys1157Leufs*5) variant alters the translational reading frame of the VWF mRNA and causes the premature termination of VWF protein synthesis. This variant has not been reported in individuals with VWF-related conditions in the published literature. This variant has not been reported in large, multi-ethnic general populations (Genome Aggregation Database). Based on the available information, this variant is classified as pathogenic.